The following is an entry in ClinVar:

ClinVar aggregate classification (germline): Uncertain significance. Review status: criteria provided, multiple submitters, no conflicts (2 of 4 stars). 2 submissions from 2 submitters: Uncertain significance (2). Last evaluated 2025-04-22.

Conditions:
Desbuquois dysplasia 1 (DBQD1). Also called: DESBUQUOIS DYSPLASIA 1, KIM VARIANT; MICROMELIC DWARFISM WITH VERTEBRAL AND METAPHYSEAL ABNORMALITIES AND ADVANCED CARPOTARSAL OSSIFICATION. Identifiers: Orphanet 1425, MedGen C4012146, MONDO:0009629, OMIM 251450.
Inborn genetic diseases. Identifiers: MedGen C0950123, MeSH D030342.

Allele frequency attached by ClinVar (database versions not stated): gnomAD exomes 0.00001; ExAC 0.00002; gnomAD 0.00010; TOPMed 0.00019; 1000 Genomes Project 0.00020; 1000 Genomes Project 30x 0.00031.
gnomAD v4.1: 25 of 1,599,302 alleles (0.0016%); highest among the groups gnomAD compares: Admixed American, 0.039%; no homozygotes.

Submissions (2):

Labcorp Genetics (formerly Invitae), Labcorp
Classification: Uncertain significance for Desbuquois dysplasia 1. Last evaluated: 2025-04-22. Review status: criteria provided, single submitter. Criteria: Invitae Variant Classification Sherloc (09022015). Collection method: clinical testing. Allele origin: germline.
Comment: This sequence change replaces glycine, which is neutral and non-polar, with alanine, which is neutral and non-polar, at codon 244 of the XYLT1 protein (p.Gly244Ala). This variant is present in population databases (rs199643996, gnomAD 0.006%). This variant has not been reported in the literature in individuals affected with XYLT1-related conditions. ClinVar contains an entry for this variant (Variation ID: 1346619). Invitae Evidence Modeling of protein sequence and biophysical properties (such as structural, functional, and spatial information, amino acid conservation, physicochemical variation, residue mobility, and thermodynamic stability) indicates that this missense variant is not expected to disrupt XYLT1 protein function with a negative predictive value of 80%. In summary, the available evidence is currently insufficient to determine the role of this variant in disease. Therefore, it has been classified as a Variant of Uncertain Significance.

Ambry Genetics
Classification: Uncertain significance for Inborn genetic diseases. Last evaluated: 2024-01-17. Review status: criteria provided, single submitter. Criteria: Ambry Variant Classification Scheme 2023. Collection method: clinical testing. Allele origin: germline.

NM_022166.4(XYLT1):c.731G>C (p.Gly244Ala)

Gene: XYLT1 (xylosyltransferase 1; minus strand). Cytogenetic location: 16p12.3.
Variant type: single nucleotide variant.
Coding change: c.731G>C on transcript NM_022166.4 (MANE Select); coding-DNA position 731, G replaced by C.
Protein change: p.Gly244Ala; replaces glycine 244 with alanine.
Molecular consequence: missense variant.
Genome position (GRCh38, 1-based): chr16:17,259,170, C>G on the plus strand (G>C on the coding strand, the complement: XYLT1 is on the minus strand). VCF-style: chr16-17259170-C-G. GRCh37 (hg19) VCF-style: chr16-17353027-C-G.
Other names: c.731G>C (NM_022166.3); short protein forms G244A.
Identifiers: ClinVar variation 1346619 (VCV001346619.5), dbSNP rs199643996, ClinGen allele CA7928125.